The following is an entry in ClinVar:

ClinVar aggregate classification (germline): Uncertain significance. Review status: criteria provided, multiple submitters, no conflicts (2 of 4 stars). 2 submissions from 2 submitters: Uncertain significance (2). Last evaluated 2025-05-01.

Allele frequency attached by ClinVar (database versions not stated): ExAC 0.00002.
gnomAD v4.1: 30 of 1,614,138 alleles (0.0019%); highest among the groups gnomAD compares: Middle Eastern, 0.016%; no homozygotes.

Submissions (2):

Labcorp Genetics (formerly Invitae), Labcorp
Classification: Uncertain significance. Last evaluated: 2025-05-01. Review status: criteria provided, single submitter. Criteria: Invitae Variant Classification Sherloc (09022015). Collection method: clinical testing. Allele origin: germline.
Comment: This sequence change replaces lysine, which is basic and polar, with asparagine, which is neutral and polar, at codon 970 of the ALPK3 protein (p.Lys970Asn). This variant is present in population databases (rs776562711, gnomAD 0.01%). This variant has not been reported in the literature in individuals affected with ALPK3-related conditions. ClinVar contains an entry for this variant (Variation ID: 2414576). Invitae Evidence Modeling of protein sequence and biophysical properties (such as structural, functional, and spatial information, amino acid conservation, physicochemical variation, residue mobility, and thermodynamic stability) has been performed for this missense variant. However, the output from this modeling did not meet the statistical confidence thresholds required to predict the impact of this variant on ALPK3 protein function. In summary, the available evidence is currently insufficient to determine the role of this variant in disease. Therefore, it has been classified as a Variant of Uncertain Significance.

Blueprint Genetics
Classification: Uncertain significance. Last evaluated: 2024-09-26. Review status: criteria provided, single submitter. Criteria: ACMG Guidelines, 2015. Collection method: clinical testing. Allele origin: germline.

NM_020778.5(ALPK3):c.2304A>T (p.Lys768Asn)

Gene: ALPK3 (alpha kinase 3; plus strand). Cytogenetic location: 15q25.3.
Variant type: single nucleotide variant.
Coding change: c.2304A>T on transcript NM_020778.5 (MANE Select); coding-DNA position 2304, A replaced by T.
Protein change: p.Lys768Asn; replaces lysine 768 with asparagine.
Molecular consequence: missense variant.
Genome position (GRCh38, 1-based): chr15:84,857,042, A>T. VCF-style: chr15-84857042-A-T. GRCh37 (hg19) VCF-style: chr15-85400273-A-T.
Other names: short protein forms K768N.
Identifiers: ClinVar variation 2414576 (VCV002414576.7), dbSNP rs776562711, ClinGen allele CA7709383.